The following is an entry in ClinVar:

NM_007194.4(CHEK2):c.1260-24_1263del

Gene: CHEK2 (checkpoint kinase 2; minus strand). Cytogenetic location: 22q12.1.
Variant type: Deletion.
Coding change: c.1260-24_1263del on transcript NM_007194.4 (MANE Select); 24 bases into the intron before coding-DNA position 1260 through coding-DNA position 1263, 28 bases deleted (CTTTCTCTCTCTACCAATATTAAGCCTT).
Molecular consequence: splice acceptor variant.
Genome position (GRCh38, 1-based): chr22:28,695,239-28,695,266, AAGGCTTAATATTGGTAGAGAGAGAAAG deleted on the plus strand (CTTTCTCTCTCTACCAATATTAAGCCTT on the coding strand, the reverse complement: CHEK2 is on the minus strand). VCF-style (leftmost placement, unchanged base first): chr22-28695238-TAAGGCTTAATATTGGTAGAGAGAGAAAG-T. GRCh37 (hg19) VCF-style: chr22-29091226-TAAGGCTTAATATTGGTAGAGAGAGAAAG-T.
Other names: c.597-24_600del (NM_001437942.1, NM_001257387.3); c.1059-24_1062del (NM_001349956.3); c.1173-24_1176del (NM_145862.3); c.1266-24_1269del (NM_001438295.1); c.1353-24_1356del (NM_001438293.1); c.1302-24_1305del (NM_001438294.1); c.1389-24_1392del (NM_001005735.3).
Identifiers: ClinVar variation 659683 (VCV000659683.7), dbSNP rs1601720308, ClinGen allele CA915952846.

ClinVar aggregate classification (germline): Likely pathogenic (1 of 4 stars; one submission).

Conditions:
Familial cancer of breast. Also called: Hereditary breast cancer; hereditary breast carcinoma; BREAST CANCER, FAMILIAL. Identifiers: Orphanet 227535, MedGen C0346153, MONDO:0016419, OMIM 114480. Disease mechanism: loss of function.

Submission:

Labcorp Genetics (formerly Invitae), Labcorp
Classification: Likely pathogenic for Familial cancer of breast. Last evaluated: 2018-11-28. Review status: criteria provided, single submitter. Criteria: Invitae Variant Classification Sherloc (09022015). Collection method: clinical testing. Allele origin: germline.
Comment: In summary, the currently available evidence indicates that the variant is pathogenic, but additional data are needed to prove that conclusively. Therefore, this variant has been classified as Likely Pathogenic. Loss-of-function variants in CHEK2 are known to be pathogenic (PMID: 21876083, 24713400). This variant has not been reported in the literature in individuals with CHEK2-related conditions. This variant is a deletion of the genomic region encompassing part of exon 12 (c.1260-24_1263del) of the CHEK2 gene. It is expected to disrupt RNA splicing and likely results in an absent or disrupted protein product.

Literature cited by the submitters: PubMed 21876083; PubMed 24713400.